The following is an entry in ClinVar:

NM_005502.4(ABCA1):c.1680dup (p.Asp561Ter)

Gene: ABCA1 (ATP binding cassette subfamily A member 1; minus strand). Cytogenetic location: 9q31.1.
Variant type: Duplication.
Coding change: c.1680dup on transcript NM_005502.4 (MANE Select); coding-DNA position 1680, one base duplicated (T; older notation c.1680dupT).
Protein change: p.Asp561Ter; replaces aspartic acid 561 with a stop codon.
Molecular consequence: nonsense.
Genome position (GRCh38, 1-based): chr9:104,831,657, A duplicated on the plus strand (T on the coding strand, the reverse complement: ABCA1 is on the minus strand); the first of 2 consecutive A bases (chr9:104,831,657-104,831,658); duplicating either gives the same sequence. VCF-style (leftmost placement, unchanged base first): chr9-104831656-C-CA. GRCh37 (hg19) VCF-style: chr9-107593937-C-CA.
Other names: short protein forms D561*.
Identifiers: ClinVar variation 2862987 (VCV002862987.3), dbSNP rs2538180082, ClinGen allele CA2739264899.

ClinVar aggregate classification (germline): Pathogenic (1 of 4 stars; one submission).

Submission:

Labcorp Genetics (formerly Invitae), Labcorp
Classification: Pathogenic. Last evaluated: 2023-05-10. Review status: criteria provided, single submitter. Criteria: Invitae Variant Classification Sherloc (09022015). Collection method: clinical testing. Allele origin: germline.
Comment: For these reasons, this variant has been classified as Pathogenic. This variant has not been reported in the literature in individuals affected with ABCA1-related conditions. This variant is not present in population databases (gnomAD no frequency). This sequence change creates a premature translational stop signal (p.Asp561*) in the ABCA1 gene. It is expected to result in an absent or disrupted protein product. Loss-of-function variants in ABCA1 are known to be pathogenic (PMID: 10525055, 10760292, 20880529).

Literature cited by the submitters: PubMed 10525055; PubMed 10760292; PubMed 20880529.